The following is an entry in ClinVar:

NM_001042492.3(NF1):c.2409+3A>G

Gene: NF1 (neurofibromin 1; plus strand). Cytogenetic location: 17q11.2.
Variant type: single nucleotide variant.
Coding change: c.2409+3A>G on transcript NM_001042492.3 (MANE Select); 3 bases into the intron after coding-DNA position 2409, A replaced by G.
Molecular consequence: intron variant.
Genome position (GRCh38, 1-based): chr17:31,227,609, A>G. VCF-style: chr17-31227609-A-G. GRCh37 (hg19) VCF-style: chr17-29554627-A-G.
Other names: c.2409+3A>G (NM_000267.4).
Identifiers: ClinVar variation 1790836 (VCV001790836.8), dbSNP rs2067039615, ClinGen allele CA982964203.

ClinVar aggregate classification (germline): Uncertain significance. Review status: criteria provided, multiple submitters, no conflicts (2 of 4 stars). 2 submissions from 2 submitters: Uncertain significance (2). Last evaluated 2025-04-22.

Conditions:
Neurofibromatosis, type 1 (NF1). Also called: NEUROFIBROMATOSIS, TYPE I, SOMATIC; Peripheral type neurofibromatosis; VON RECKLINGHAUSEN DISEASE; Neurofibromatosis, type I. Identifiers: Orphanet 636, MedGen C0027831, MONDO:0018975, OMIM 162200. Disease mechanism: loss of function.
Hereditary cancer-predisposing syndrome. Also called: Neoplastic Syndromes, Hereditary; Tumor predisposition; Hereditary neoplastic syndrome; Hereditary Cancer Syndrome. Identifiers: Orphanet 140162, MedGen C0027672, MeSH D009386, MONDO:0015356.
Cardiovascular phenotype. Identifiers: MedGen CN230736.

Submissions (2):

Ambry Genetics
Classification: Uncertain significance for Cardiovascular phenotype; Hereditary cancer-predisposing syndrome. Last evaluated: 2025-04-22. Review status: criteria provided, single submitter. Criteria: Ambry Variant Classification Scheme 2023. Collection method: clinical testing. Allele origin: germline.
Comment: The c.2409+3A>G intronic variant results from an A to G substitution 3 nucleotides after coding exon 20 in the NF1 gene. This nucleotide position is poorly conserved in available vertebrate species. In silico splice site analysis predicts that this alteration will not have any significant effect on splicing. Based on the available evidence, the clinical significance of this variant remains unclear.

Labcorp Genetics (formerly Invitae), Labcorp
Classification: Uncertain significance for Neurofibromatosis, type 1. Last evaluated: 2022-10-30. Review status: criteria provided, single submitter. Criteria: Invitae Variant Classification Sherloc (09022015). Collection method: clinical testing. Allele origin: germline.
Comment: This sequence change falls in intron 20 of the NF1 gene. It does not directly change the encoded amino acid sequence of the NF1 protein. It affects a nucleotide within the consensus splice site. This variant is not present in population databases (gnomAD no frequency). This variant has not been reported in the literature in individuals affected with NF1-related conditions. Variants that disrupt the consensus splice site are a relatively common cause of aberrant splicing (PMID: 17576681, 9536098). Algorithms developed to predict the effect of sequence changes on RNA splicing suggest that this variant is not likely to affect RNA splicing. In summary, the available evidence is currently insufficient to determine the role of this variant in disease. Therefore, it has been classified as a Variant of Uncertain Significance.

Literature cited by the submitters: PubMed 17576681 (cited by Labcorp Genetics (formerly Invitae), Labcorp); PubMed 9536098 (cited by Labcorp Genetics (formerly Invitae), Labcorp).